The following is an entry in ClinVar:

ClinVar aggregate classification (germline): Uncertain significance (1 of 4 stars; one submission).

Conditions:
Amyotrophic lateral sclerosis type 1 (ALS1). Also called: AMYOTROPHIC LATERAL SCLEROSIS 1, FAMILIAL. Identifiers: Orphanet 803, MedGen C1862939, MONDO:0007103, OMIM 105400.
Neuronopathy, distal hereditary motor, type 7B. Also called: NEURONOPATHY, DISTAL HEREDITARY MOTOR, AUTOSOMAL DOMINANT 14; NEURONOPATHY, DISTAL HEREDITARY MOTOR, HARDING TYPE VIIB; NEUROPATHY, DISTAL HEREDITARY MOTOR, HARDING TYPE VIIB; NEUROPATHY, DISTAL HEREDITARY MOTOR, WITH VOCAL CORD PARALYSIS, HARDING TYPE VIIB; HMN VIIB; LOWER MOTOR NEURON DISEASE, DYNACTIN TYPE. Identifiers: Orphanet 139589, MedGen C1843315, MONDO:0011879, OMIM 607641.
Perry syndrome. Also called: PARKINSONISM WITH ALVEOLAR HYPOVENTILATION AND MENTAL DEPRESSION. Identifiers: Orphanet 178509, MedGen C1868594, MONDO:0008201, OMIM 168605.

Submission:

Labcorp Genetics (formerly Invitae), Labcorp
Classification: Uncertain significance for Amyotrophic lateral sclerosis type 1; Neuronopathy, distal hereditary motor, type 7B; Perry syndrome. Last evaluated: 2025-05-06. Review status: criteria provided, single submitter. Criteria: Invitae Variant Classification Sherloc (09022015). Collection method: clinical testing. Allele origin: germline.
Comment: This sequence change replaces proline, which is neutral and non-polar, with leucine, which is neutral and non-polar, at codon 106 of the DCTN1 protein (p.Pro106Leu). This variant is not present in population databases (gnomAD no frequency). This variant has not been reported in the literature in individuals affected with DCTN1-related conditions. ClinVar contains an entry for this variant (Variation ID: 3749765). Invitae Evidence Modeling of protein sequence and biophysical properties (such as structural, functional, and spatial information, amino acid conservation, physicochemical variation, residue mobility, and thermodynamic stability) indicates that this missense variant is not expected to disrupt DCTN1 protein function with a negative predictive value of 95%. In summary, the available evidence is currently insufficient to determine the role of this variant in disease. Therefore, it has been classified as a Variant of Uncertain Significance.

NM_004082.5(DCTN1):c.317C>T (p.Pro106Leu)

Gene: DCTN1 (dynactin subunit 1; minus strand). Cytogenetic location: 2p13.1.
Variant type: single nucleotide variant.
Coding change: c.317C>T on transcript NM_004082.5 (MANE Select); coding-DNA position 317, C replaced by T.
Protein change: p.Pro106Leu; replaces proline 106 with leucine.
Molecular consequence: missense variant. On other transcripts: non-coding transcript variant (1).
Genome position (GRCh38, 1-based): chr2:74,377,689, G>A on the plus strand (C>T on the coding strand, the complement: DCTN1 is on the minus strand). VCF-style: chr2-74377689-G-A. GRCh37 (hg19) VCF-style: chr2-74604816-G-A.
Other names: c.317C>T, p.Pro106Leu (NM_001135040.3, NM_001190837.2); c.266C>T, p.Pro89Leu (NM_001190836.2, NM_001378991.1, NM_001378992.1); short protein forms P106L, P89L.
Identifiers: ClinVar variation 3749765 (VCV003749765.2).